The following is an entry in ClinVar:

ClinVar aggregate classification (germline): Uncertain significance. Review status: criteria provided, multiple submitters, no conflicts (2 of 4 stars). 3 submissions from 3 submitters: Uncertain significance (3). Last evaluated 2024-03-04.

Conditions:
Inborn genetic diseases. Identifiers: MedGen C0950123, MeSH D030342.

Allele frequency attached by ClinVar (database versions not stated): gnomAD 0.00001; gnomAD exomes 0.00001.
gnomAD v4.1: 7 of 1,576,762 alleles (0.00044%); highest among the groups gnomAD compares: African/African-American, 0.0027%; no homozygotes.

Submissions (3):

Women's Health and Genetics/Laboratory Corporation of America, LabCorp
Classification: Uncertain significance. Last evaluated: 2024-03-04. Review status: criteria provided, single submitter. Criteria: LabCorp Variant Classification Summary - May 2015. Collection method: clinical testing. Allele origin: germline.
Comment: Variant summary: PCLO c.1900G>A (p.Glu634Lys) results in a conservative amino acid change in Zinc finger, piccolo-type domain (IPR008899) of the encoded protein sequence. Four of five in-silico tools predict a damaging effect of the variant on protein function. The variant allele was found at a frequency of 4.9e-06 in 202348 control chromosomes. The available data on variant occurrences in the general population are insufficient to allow any conclusion about variant significance. To our knowledge, no occurrence of c.1900G>A in individuals affected with Pontocerebellar Hypoplasia Type 3 and no experimental evidence demonstrating its impact on protein function have been reported. ClinVar contains an entry for this variant (Variation ID: 2163368). Based on the evidence outlined above, the variant was classified as uncertain significance.

Labcorp Genetics (formerly Invitae), Labcorp
Classification: Uncertain significance. Last evaluated: 2022-05-28. Review status: criteria provided, single submitter. Criteria: Invitae Variant Classification Sherloc (09022015). Collection method: clinical testing. Allele origin: germline.
Comment: This sequence change replaces glutamic acid, which is acidic and polar, with lysine, which is basic and polar, at codon 634 of the PCLO protein (p.Glu634Lys). This variant is present in population databases (no rsID available, gnomAD 0.001%). This variant has not been reported in the literature in individuals affected with PCLO-related conditions. Algorithms developed to predict the effect of missense changes on protein structure and function are either unavailable or do not agree on the potential impact of this missense change (SIFT: "Deleterious"; PolyPhen-2: "Not Available"; Align-GVGD: "Class C0"). In summary, the available evidence is currently insufficient to determine the role of this variant in disease. Therefore, it has been classified as a Variant of Uncertain Significance.

Ambry Genetics
Classification: Uncertain significance for Inborn genetic diseases. Last evaluated: 2021-08-10. Review status: criteria provided, single submitter. Criteria: Ambry Variant Classification Scheme 2023. Collection method: clinical testing. Allele origin: germline.

NM_033026.6(PCLO):c.1900G>A (p.Glu634Lys)

Gene: PCLO (piccolo presynaptic cytomatrix protein; minus strand). Cytogenetic location: 7q21.11.
Variant type: single nucleotide variant.
Coding change: c.1900G>A on transcript NM_033026.6 (MANE Select); coding-DNA position 1900, G replaced by A.
Protein change: p.Glu634Lys; replaces glutamic acid 634 with lysine.
Molecular consequence: missense variant.
Genome position (GRCh38, 1-based): chr7:83,135,650, C>T on the plus strand (G>A on the coding strand, the complement: PCLO is on the minus strand). VCF-style: chr7-83135650-C-T. GRCh37 (hg19) VCF-style: chr7-82764966-C-T.
Other names: c.1900G>A, p.Glu634Lys (NM_014510.3); c.1900G>A (NM_033026.5); short protein forms E634K.
Identifiers: ClinVar variation 2163368 (VCV002163368.4), dbSNP rs866047893, ClinGen allele CA161173223.